The following is an entry in ClinVar:

NM_005559.4(LAMA1):c.8083C>T (p.Arg2695Trp)

Genes: LAMA1 (laminin subunit alpha 1; minus strand), LOC101927188 (uncharacterized LOC101927188; plus strand). Cytogenetic location: 18p11.31.
Variant type: single nucleotide variant.
Coding change: c.8083C>T on transcript NM_005559.4 (MANE Select); coding-DNA position 8083, C replaced by T.
Protein change: p.Arg2695Trp; replaces arginine 2695 with tryptophan.
Molecular consequence: missense variant. On other transcripts: non-coding transcript variant (1).
Genome position (GRCh38, 1-based): chr18:6,956,647, G>A on the plus strand (C>T on the coding strand, the complement: LAMA1 is on the minus strand). VCF-style: chr18-6956647-G-A. GRCh37 (hg19) VCF-style: chr18-6956646-G-A.
Other names: short protein forms R2695W.
Identifiers: ClinVar variation 2270831 (VCV002270831.9), dbSNP rs766071649, ClinGen allele CA8880696.

ClinVar aggregate classification (germline): Uncertain significance. Review status: criteria provided, multiple submitters, no conflicts (2 of 4 stars). 2 submissions from 2 submitters: Uncertain significance (2). Last evaluated 2025-09-01.

Conditions:
Inborn genetic diseases. Identifiers: MedGen C0950123, MeSH D030342.

Allele frequency attached by ClinVar (database versions not stated): ExAC 0.00002; gnomAD exomes 0.00002; TOPMed 0.00002; gnomAD 0.00003.
gnomAD v4.1: 33 of 1,614,116 alleles (0.002%); highest among the groups gnomAD compares: South Asian, 0.011%; no homozygotes.

Submissions (2):

CeGaT Center for Human Genetics Tuebingen
Classification: Uncertain significance. Last evaluated: 2025-09-01. Review status: criteria provided, single submitter. Criteria: CeGaT Center For Human Genetics Tuebingen Variant Classification Criteria Version 2. Collection method: clinical testing. Allele origin: germline. Affected: yes. Observed: 1 variant allele.
Comment: LAMA1: PM2, BP4

Ambry Genetics
Classification: Uncertain significance for Inborn genetic diseases. Last evaluated: 2022-01-07. Review status: criteria provided, single submitter. Criteria: Ambry Variant Classification Scheme 2023. Collection method: clinical testing. Allele origin: germline.